The following is an entry in ClinVar:

NM_017777.4(MKS1):c.1158del (p.Glu386fs)

Gene: MKS1 (MKS transition zone complex subunit 1; minus strand). Cytogenetic location: 17q22.
Variant type: Deletion.
Coding change: c.1158del on transcript NM_017777.4 (MANE Select); coding-DNA position 1158, one base deleted (A; older notation c.1158delA).
Protein change: p.Glu386fs; shifts the reading frame from glutamic acid 386.
Molecular consequence: frameshift variant.
Genome position (GRCh38, 1-based): chr17:58,208,112, T deleted on the plus strand (A on the coding strand, the reverse complement: MKS1 is on the minus strand); the first of 2 consecutive T bases (chr17:58,208,112-58,208,113); deleting either gives the same sequence. VCF-style (leftmost placement, unchanged base first): chr17-58208111-AT-A. GRCh37 (hg19) VCF-style: chr17-56285472-AT-A.
Other names: c.549del, p.Glu183fs (NM_001321268.2); c.1158del, p.Glu386fs (NM_001321269.2, NM_001330397.2); c.1157delA, p.Glu386Aspfs (NM_001411113.1); short protein forms E183fs, E386fs.
Identifiers: ClinVar variation 2113608 (VCV002113608.4), dbSNP rs2509413100, ClinGen allele CA2580094311.
Genomic context (GRCh38, chr17:58,208,111, plus strand): 5'-GACAGCACTGCTTGAGGGGAACCAAGGCCCAGGATCAACTGCTGAGCTACTCACCAGAAG[AT>A]TCATCCTCATGGAGGAAGAAGGCTTCAAACGTGAATGGGTAGGAGAAGTGAGCCACCTTG-3'

ClinVar aggregate classification (germline): Pathogenic (1 of 4 stars; one submission).

Conditions:
Joubert syndrome. Also called: CEREBELLOPARENCHYMAL DISORDER IV; JOUBERT-BOLTSHAUSER SYNDROME; Familial aplasia of the vermis. Identifiers: Orphanet 475, MedGen C5979921, MONDO:0018772.
Meckel-Gruber syndrome. Also called: DYSENCEPHALIA SPLANCHNOCYSTICA; GRUBER SYNDROME; Dysencephalia splachnocystica. Identifiers: Orphanet 564, MedGen C0265215, MONDO:0018921.

Submission:

Labcorp Genetics (formerly Invitae), Labcorp
Classification: Pathogenic for Joubert syndrome; Meckel-Gruber syndrome. Last evaluated: 2022-03-18. Review status: criteria provided, single submitter. Criteria: Invitae Variant Classification Sherloc (09022015). Collection method: clinical testing. Allele origin: germline.
Comment: This sequence change creates a premature translational stop signal (p.Glu386Aspfs*44) in the MKS1 gene. It is expected to result in an absent or disrupted protein product. Loss-of-function variants in MKS1 are known to be pathogenic (PMID: 19466712, 24886560, 26490104). This variant is not present in population databases (gnomAD no frequency). This variant has not been reported in the literature in individuals affected with MKS1-related conditions. For these reasons, this variant has been classified as Pathogenic.

Literature cited by the submitters: PubMed 19466712; PubMed 24886560; PubMed 26490104.